The following is an entry in ClinVar:

ClinVar aggregate classification (germline): Uncertain significance (1 of 4 stars; one submission).

Allele frequency attached by ClinVar (database versions not stated): gnomAD exomes 0.00001.
gnomAD v4.1: 8 of 1,613,310 alleles (0.0005%); highest among the groups gnomAD compares: Non-Finnish European, 0.00068%; no homozygotes.

Submission:

Labcorp Genetics (formerly Invitae), Labcorp
Classification: Uncertain significance. Last evaluated: 2023-08-07. Review status: criteria provided, single submitter. Criteria: Invitae Variant Classification Sherloc (09022015). Collection method: clinical testing. Allele origin: germline.
Comment: In summary, the available evidence is currently insufficient to determine the role of this variant in disease. Therefore, it has been classified as a Variant of Uncertain Significance. An algorithm developed to predict the effect of missense changes on protein structure and function (PolyPhen-2) suggests that this variant is likely to be tolerated. This variant has not been reported in the literature in individuals affected with SEC61A1-related conditions. This variant is present in population databases (no rsID available, gnomAD 0.0009%). This sequence change replaces proline, which is neutral and non-polar, with leucine, which is neutral and non-polar, at codon 332 of the SEC61A1 protein (p.Pro332Leu).

NM_013336.4(SEC61A1):c.995C>T (p.Pro332Leu)

Genes: RUVBL1 (RuvB like AAA ATPase 1; minus strand), SEC61A1 (SEC61 translocon subunit alpha 1; plus strand). Cytogenetic location: 3q21.3.
Variant type: single nucleotide variant.
Coding change: c.995C>T on transcript NM_013336.4 (MANE Select); coding-DNA position 995, C replaced by T.
Protein change: p.Pro332Leu; replaces proline 332 with leucine.
Molecular consequence: missense variant. On other transcripts: intron variant (1).
Genome position (GRCh38, 1-based): chr3:128,067,440, C>T. VCF-style: chr3-128067440-C-T. GRCh37 (hg19) VCF-style: chr3-127786283-C-T.
Other names: c.1013C>T, p.Pro338Leu (NM_001400328.1); c.836C>T, p.Pro279Leu (NM_001400329.1); c.940-2220G>A (NM_001319086.1); short protein forms P332L, P338L, P279L.
Identifiers: ClinVar variation 2792716 (VCV002792716.3), dbSNP rs1469182310, ClinGen allele CA354400368.